The following is an entry in ClinVar:

NM_004656.4(BAP1):c.1139_1151del (p.Gly380fs)

Gene: BAP1 (BRCA1 associated deubiquitinase 1; minus strand). Cytogenetic location: 3p21.1.
Variant type: Deletion.
Coding change: c.1139_1151del on transcript NM_004656.4 (MANE Select); coding-DNA positions 1139 to 1151, 13 bases deleted (GTGTGGGCCGCAG).
Protein change: p.Gly380fs; shifts the reading frame from glycine 380.
Molecular consequence: frameshift variant.
Genome position (GRCh38, 1-based): chr3:52,404,552-52,404,564, CTGCGGCCCACAC deleted on the plus strand (GTGTGGGCCGCAG on the coding strand, the reverse complement: BAP1 is on the minus strand); deleting any 13 consecutive bases within chr3:52,404,552-52,404,568 gives the same sequence; the c. name uses the placement nearest the transcript's 3' end. VCF-style (leftmost placement, unchanged base first): chr3-52404551-GCTGCGGCCCACAC-G. GRCh37 (hg19) VCF-style: chr3-52438567-GCTGCGGCCCACAC-G.
Other names: short protein forms G380fs.
Identifiers: ClinVar variation 1365414 (VCV001365414.6), dbSNP rs2153226878, ClinGen allele CA2573137330.
Genomic context (GRCh38, chr3:52,404,551, plus strand): 5'-GTCATCCTCATAGTCATCCTCATCATCTGAGTACTGCTGGGGTGGGCGGACTGGAACTCG[GCTGCGGCCCACAC>G]CTGCCGCCAGGTCTTCTTCCTCCTGGGACAAAGACCAGGGCAGTTACAAACAAGTGCTGC-3'

ClinVar aggregate classification (germline): Pathogenic (1 of 4 stars; one submission).

Conditions:
BAP1-related tumor predisposition syndrome (TPDS1). Also called: TUMOR PREDISPOSITION SYNDROME 1; Tumor susceptibility linked to germline BAP1 mutations; BAP1 tumor predisposition syndrome; COMMON Syndrome. Identifiers: Orphanet 289539, MedGen C3280492, MONDO:0013692, OMIM 614327.

Submission:

Labcorp Genetics (formerly Invitae), Labcorp
Classification: Pathogenic for BAP1-related tumor predisposition syndrome. Last evaluated: 2022-02-19. Review status: criteria provided, single submitter. Criteria: Invitae Variant Classification Sherloc (09022015). Collection method: clinical testing. Allele origin: germline.
Comment: This sequence change creates a premature translational stop signal (p.Gly380Alafs*46) in the BAP1 gene. It is expected to result in an absent or disrupted protein product. Loss-of-function variants in BAP1 are known to be pathogenic (PMID: 21874000, 23684012). This variant is not present in population databases (gnomAD no frequency). This variant has not been reported in the literature in individuals affected with BAP1-related conditions. For these reasons, this variant has been classified as Pathogenic.

Literature cited by the submitters: PubMed 21874000; PubMed 23684012.